The following is an entry in ClinVar:

ClinVar aggregate classification (germline): Uncertain significance (1 of 4 stars; one submission).

Conditions:
Arrhythmogenic right ventricular cardiomyopathy (ARVD). Also called: Arrhythmogenic right ventricular dysplasia; Cardiomyopathy, ARVC; Arrhythmogenic cardiomyopathy; Arrhythmogenic Right Ventricular Cardiomyopathy (ARVC). Identifiers: Orphanet 247, MedGen C0349788, MeSH D019571, MONDO:0016587. Disease mechanism: loss of function. Inheritance: Various modes of inheritance.

gnomAD v4.1: 1 of 1,614,002 alleles (0.000062%); highest among the groups gnomAD compares: Non-Finnish European, 0.000085%; no homozygotes.

Submission:

All of Us Research Program, National Institutes of Health
Classification: Uncertain significance for Arrhythmogenic right ventricular cardiomyopathy. Last evaluated: 2023-09-17. Review status: criteria provided, single submitter. Criteria: ACMG Guidelines, 2015. Collection method: clinical testing. Allele origin: germline. Inheritance: Autosomal dominant inheritance. Observed: 1 variant allele, 1 heterozygote.
Comment: This missense variant replaces arginine with methionine at codon 369 of the PKP2 protein. Computational prediction suggests that this variant may not impact protein structure and function (internally defined REVEL score threshold <= 0.5, PMID: 27666373). To our knowledge, functional studies have not been reported for this variant. This variant has not been reported in individuals affected with PKP2-related disorders in the literature. This variant has not been identified in the general population by the Genome Aggregation Database (gnomAD). The available evidence is insufficient to determine the role of this variant in disease conclusively. Therefore, this variant is classified as a Variant of Uncertain Significance.

This study involves interpretation of variants in research participants for the purpose of population health screening. Participant phenotype was not available at the time of variant classification. Additional details can be found in publication PMID: 35346344, PMCID: PMC8962531

NM_001005242.3(PKP2):c.1106G>T (p.Arg369Met)

Gene: PKP2 (plakophilin 2; minus strand). Cytogenetic location: 12p11.21.
Variant type: single nucleotide variant.
Coding change: c.1106G>T on transcript NM_001005242.3 (MANE Select); coding-DNA position 1106, G replaced by T.
Protein change: p.Arg369Met; replaces arginine 369 with methionine.
Molecular consequence: missense variant.
Genome position (GRCh38, 1-based): chr12:32,868,991, C>A on the plus strand (G>T on the coding strand, the complement: PKP2 is on the minus strand). VCF-style: chr12-32868991-C-A. GRCh37 (hg19) VCF-style: chr12-33021925-C-A.
Other names: c.779G>T, p.Arg260Met (NM_001407158.1, NM_001407159.1, NM_001407160.1 and 1 more transcripts); c.1106G>T, p.Arg369Met (NM_001407161.1, NM_004572.4, NM_001407155.1 and 2 more transcripts); short protein forms R260M, R369M.
Identifiers: ClinVar variation 3073441 (VCV003073441.1), dbSNP rs771293688, ClinGen allele CA384359446.